The following is an entry in ClinVar:

NM_001114753.3(ENG):c.616G>T (p.Gly206Cys)

Gene: ENG (endoglin; minus strand). Cytogenetic location: 9q34.11.
Variant type: single nucleotide variant.
Coding change: c.616G>T on transcript NM_001114753.3 (MANE Select); coding-DNA position 616, G replaced by T.
Protein change: p.Gly206Cys; replaces glycine 206 with cysteine.
Molecular consequence: missense variant.
Genome position (GRCh38, 1-based): chr9:127,825,768, C>A on the plus strand (G>T on the coding strand, the complement: ENG is on the minus strand). VCF-style: chr9-127825768-C-A. GRCh37 (hg19) VCF-style: chr9-130588047-C-A.
Other names: c.616G>T, p.Gly206Cys (NM_000118.4, NM_001406715.1); c.70G>T, p.Gly24Cys (NM_001278138.2); short protein forms G206C, G24C.
Identifiers: ClinVar variation 4843430 (VCV004843430.1).

ClinVar aggregate classification (germline): Uncertain significance (1 of 4 stars; one submission).

Conditions:
Cardiovascular phenotype. Identifiers: MedGen CN230736.

gnomAD v4.1: 1 of 1,599,224 alleles (0.000063%); no homozygotes.

Submission:

Ambry Genetics
Classification: Uncertain significance for Cardiovascular phenotype. Last evaluated: 2026-01-15. Review status: criteria provided, single submitter. Criteria: Ambry Variant Classification Scheme 2023. Collection method: clinical testing. Allele origin: germline.
Comment: The p.G206C variant (also known as c.616G>T), located in coding exon 5 of the ENG gene, results from a G to T substitution at nucleotide position 616. The glycine at codon 206 is replaced by cysteine, an amino acid with highly dissimilar properties. This amino acid position is conserved. In addition, this alteration is predicted to be tolerated by in silico analysis. Based on the available evidence, the clinical significance of this variant remains unclear.